The following is an entry in ClinVar:

ClinVar aggregate classification (germline): Pathogenic (1 of 4 stars; one submission).

Conditions:
CHARGE syndrome (CHARGE). Also called: Hittner Hirsch Kreh syndrome; CHARGE ASSOCIATION--COLOBOMA, HEART ANOMALY, CHOANAL ATRESIA, RETARDATION, GENITAL AND EAR ANOMALIES; Coloboma, heart anomaly, choanal atresia, retardation, genital and ear anomalies; CHARGE association; Hall-Hittner syndrome. Identifiers: Orphanet 138, MedGen C0265354, MONDO:0008965.

Submission:

Labcorp Genetics (formerly Invitae), Labcorp
Classification: Pathogenic for CHARGE syndrome. Last evaluated: 2020-09-14. Review status: criteria provided, single submitter. Criteria: Invitae Variant Classification Sherloc (09022015). Collection method: clinical testing. Allele origin: germline.
Comment: This variant has been observed in individual(s) with CHARGE syndrome (PMID: 22461308). In at least one individual the variant was observed to be de novo. Nucleotide substitutions within the consensus splice site are a relatively common cause of aberrant splicing (PMID: 17576681, 9536098). Algorithms developed to predict the effect of sequence changes on RNA splicing suggest that this variant may disrupt the consensus splice site, but this prediction has not been confirmed by published transcriptional studies. This variant disrupts the c.3378+5G nucleotide in the CHD7 gene. Other variant(s) that disrupt this nucleotide have been determined to be pathogenic (PMID: 27832265). This suggests that this nucleotide is clinically significant, and that variants that disrupt this position are likely to be disease-causing. For these reasons, this variant has been classified as Pathogenic. This variant is not present in population databases (ExAC no frequency). This sequence change falls in intron 13 of the CHD7 gene. It does not directly change the encoded amino acid sequence of the CHD7 protein, but it affects a nucleotide within the consensus splice site of the intron.

Literature cited by the submitters: PubMed 22461308; PubMed 17576681; PubMed 9536098; PubMed 27832265.

NM_017780.4(CHD7):c.3378+5G>C

Gene: CHD7 (chromodomain helicase DNA binding protein 7; plus strand). Cytogenetic location: 8q12.2.
Variant type: single nucleotide variant.
Coding change: c.3378+5G>C on transcript NM_017780.4 (MANE Select); 5 bases into the intron after coding-DNA position 3378, G replaced by C.
Molecular consequence: intron variant.
Genome position (GRCh38, 1-based): chr8:60,824,021, G>C. VCF-style: chr8-60824021-G-C. GRCh37 (hg19) VCF-style: chr8-61736580-G-C.
Other names: c.1717-38208G>C (NM_001316690.1).
Identifiers: ClinVar variation 1072858 (VCV001072858.9), dbSNP rs1554598029, ClinGen allele CA371312866.